The following is an entry in ClinVar:

NM_020937.4(FANCM):c.2024A>G (p.Lys675Arg)

Gene: FANCM (FA complementation group M; plus strand). Cytogenetic location: 14q21.2.
Variant type: single nucleotide variant.
Coding change: c.2024A>G on transcript NM_020937.4 (MANE Select); coding-DNA position 2024, A replaced by G.
Protein change: p.Lys675Arg; replaces lysine 675 with arginine.
Molecular consequence: missense variant.
Genome position (GRCh38, 1-based): chr14:45,170,610, A>G. VCF-style: chr14-45170610-A-G. GRCh37 (hg19) VCF-style: chr14-45639813-A-G.
Other names: c.1946A>G, p.Lys649Arg (NM_001308133.2); short protein forms K675R, K649R.
Identifiers: ClinVar variation 939021 (VCV000939021.9), dbSNP rs1888275563, ClinGen allele CA389595840.

ClinVar aggregate classification (germline): Uncertain significance (1 of 4 stars; one submission).

Conditions:
Fanconi anemia (FA). Also called: Fanconi's anemia. Identifiers: Orphanet 84, MedGen C0015625, MeSH D005199, MONDO:0019391.

Submission:

Labcorp Genetics (formerly Invitae), Labcorp
Classification: Uncertain significance for Fanconi anemia. Last evaluated: 2022-07-25. Review status: criteria provided, single submitter. Criteria: Invitae Variant Classification Sherloc (09022015). Collection method: clinical testing. Allele origin: germline.
Comment: In summary, the available evidence is currently insufficient to determine the role of this variant in disease. Therefore, it has been classified as a Variant of Uncertain Significance. Algorithms developed to predict the effect of missense changes on protein structure and function (SIFT, PolyPhen-2, Align-GVGD) all suggest that this variant is likely to be tolerated. ClinVar contains an entry for this variant (Variation ID: 939021). This variant has not been reported in the literature in individuals affected with FANCM-related conditions. This variant is not present in population databases (gnomAD no frequency). This sequence change replaces lysine, which is basic and polar, with arginine, which is basic and polar, at codon 675 of the FANCM protein (p.Lys675Arg).